The following is an entry in ClinVar:

NM_016292.3(TRAP1):c.1941-1G>A

Genes: DNASE1 (deoxyribonuclease 1; plus strand), TRAP1 (TNF receptor associated protein 1; minus strand). Cytogenetic location: 16p13.3.
Variant type: single nucleotide variant.
Coding change: c.1941-1G>A on transcript NM_016292.3 (MANE Select); the canonical splice acceptor site of the intron before coding-DNA position 1941, G replaced by A.
Molecular consequence: splice acceptor variant. On other transcripts: intron variant (1).
Genome position (GRCh38, 1-based): chr16:3,658,866, C>T on the plus strand (G>A on the coding strand, the complement: TRAP1 is on the minus strand). VCF-style: chr16-3658866-C-T. GRCh37 (hg19) VCF-style: chr16-3708867-C-T.
Other names: c.*21+999C>T (NM_001387140.1); c.1782-1G>A (NM_001272049.2).
Identifiers: ClinVar variation 3681106 (VCV003681106.2).
Genomic context (GRCh38, chr16:3,658,866, plus strand): 5'-AGCTGAGCCAGGCCAGGCTCGCTTGCGCGCAGCTGATTCAGCTTCTTGATGAGCGCGTGC[C>T]TGCAACACAGAACCCACCAGAAAAAGCAGCTCAGTACCACGTGCTGTGACCCTCCCTTCA-3'

ClinVar aggregate classification (germline): Uncertain significance (1 of 4 stars; one submission).

gnomAD v4.1: 9 of 1,614,046 alleles (0.00056%); highest among the groups gnomAD compares: Non-Finnish European, 0.00068%; no homozygotes.

Submission:

Labcorp Genetics (formerly Invitae), Labcorp
Classification: Uncertain significance. Last evaluated: 2025-03-25. Review status: criteria provided, single submitter. Criteria: Invitae Variant Classification Sherloc (09022015). Collection method: clinical testing. Allele origin: germline.
Comment: This sequence change affects an acceptor splice site in intron 16 of the TRAP1 gene. It is expected to disrupt RNA splicing. Variants that disrupt the donor or acceptor splice site typically lead to a loss of protein function (PMID: 16199547), however the current clinical and genetic evidence is not sufficient to establish whether loss-of-function variants in TRAP1 cause disease. This variant is not present in population databases (gnomAD no frequency). This variant has not been reported in the literature in individuals affected with TRAP1-related conditions. Algorithms developed to predict the effect of sequence changes on RNA splicing suggest that this variant may disrupt the consensus splice site. In summary, the available evidence is currently insufficient to determine the role of this variant in disease. Therefore, it has been classified as a Variant of Uncertain Significance.

Literature cited by the submitters: PubMed 16199547.